The following is an entry in ClinVar:

ClinVar aggregate classification (germline): Uncertain significance. Review status: criteria provided, multiple submitters, no conflicts (2 of 4 stars). 2 submissions from 2 submitters: Uncertain significance (2). Last evaluated 2026-07-07.

Conditions:
Erythrocytosis, familial, 3 (ECYT3). Identifiers: Orphanet 247511, MedGen C1853286, MONDO:0012353, OMIM 609820.

Submissions (2):

Ambry Genetics
Classification: Uncertain significance. Last evaluated: 2026-07-07. Review status: criteria provided, single submitter. Criteria: Ambry Variant Classification Scheme 2023. Collection method: clinical testing. Allele origin: germline.
Comment: The c.472_474delGAG variant (also known as p.E158del) is located in coding exon 1 of the EGLN1 gene. This variant results from an in-frame GAG deletion at nucleotide positions 472 to 474. This results in the in-frame deletion of a glutamic acid at codon 158. This amino acid position is not well conserved in available vertebrate species. The evidence for this gene-disease relationship is limited; therefore, the clinical significance of this variant is unclear.

Labcorp Genetics (formerly Invitae), Labcorp
Classification: Uncertain significance for Erythrocytosis, familial, 3. Last evaluated: 2023-10-22. Review status: criteria provided, single submitter. Criteria: Invitae Variant Classification Sherloc (09022015). Collection method: clinical testing. Allele origin: germline.
Comment: This variant, c.472_474del, results in the deletion of 1 amino acid(s) of the EGLN1 protein (p.Glu158del), but otherwise preserves the integrity of the reading frame. This variant is present in population databases (rs747045922, gnomAD 0.03%). This variant has not been reported in the literature in individuals affected with EGLN1-related conditions. Experimental studies and prediction algorithms are not available or were not evaluated, and the functional significance of this variant is currently unknown. In summary, the available evidence is currently insufficient to determine the role of this variant in disease. Therefore, it has been classified as a Variant of Uncertain Significance.

NM_022051.3(EGLN1):c.472_474del (p.Glu158del)

Gene: EGLN1 (egl-9 family hypoxia inducible factor 1; minus strand). Cytogenetic location: 1q42.2.
Variant type: Deletion.
Coding change: c.472_474del on transcript NM_022051.3 (MANE Select); coding-DNA positions 472 to 474, 3 bases deleted (GAG; older notation c.472_474delGAG).
Protein change: p.Glu158del; deletes glutamic acid 158.
Molecular consequence: inframe deletion.
Genome position (GRCh38, 1-based): chr1:231,421,415-231,421,417, CTC deleted on the plus strand (GAG on the coding strand, the reverse complement: EGLN1 is on the minus strand); deleting any 3 consecutive bases within chr1:231,421,415-231,421,419 gives the same sequence; the c. name uses the placement nearest the transcript's 3' end. VCF-style (leftmost placement, unchanged base first): chr1-231421414-TCTC-T. GRCh37 (hg19) VCF-style: chr1-231557160-TCTC-T.
Other names: c.472_474delGAG (NM_022051.2); c.472_474del, p.Glu158del (NM_001377260.1, NM_001377261.1); short protein forms E158del.
Identifiers: ClinVar variation 3021333 (VCV003021333.4), dbSNP rs747045922, ClinGen allele CA1453174.